The following is an entry in ClinVar:

NM_003482.4(KMT2D):c.7967T>C (p.Leu2656Ser)

Gene: KMT2D (lysine methyltransferase 2D; minus strand). Cytogenetic location: 12q13.12.
Variant type: single nucleotide variant.
Coding change: c.7967T>C on transcript NM_003482.4 (MANE Select); coding-DNA position 7967, T replaced by C.
Protein change: p.Leu2656Ser; replaces leucine 2656 with serine.
Molecular consequence: missense variant.
Genome position (GRCh38, 1-based): chr12:49,039,803, A>G on the plus strand (T>C on the coding strand, the complement: KMT2D is on the minus strand). VCF-style: chr12-49039803-A-G. GRCh37 (hg19) VCF-style: chr12-49433586-A-G.
Other names: short protein forms L2656S.
Identifiers: ClinVar variation 570778 (VCV000570778.6), dbSNP rs1014845953, ClinGen allele CA236647277.

ClinVar aggregate classification (germline): Conflicting classifications of pathogenicity. Review status: criteria provided, conflicting classifications (1 of 4 stars). 2 submissions from 2 submitters: Uncertain significance (1); Likely benign (1). Last evaluated 2025-03-29.

Conditions:
Kabuki syndrome. Also called: Kabuki make-up syndrome; NIIKAWA-KUROKI SYNDROME. Identifiers: Orphanet 2322, MedGen C0796004, MONDO:0016512.

Allele frequency attached by ClinVar (database versions not stated): gnomAD exomes below 0.00001; TOPMed below 0.00001; gnomAD 0.00001.
gnomAD v4.1: 3 of 1,613,884 alleles (0.00019%); highest among the groups gnomAD compares: Admixed American, 0.0017%; no homozygotes.

Submissions (2):

Labcorp Genetics (formerly Invitae), Labcorp
Classification: Likely benign for Kabuki syndrome. Last evaluated: 2025-03-29. Review status: criteria provided, single submitter. Criteria: Invitae Variant Classification Sherloc (09022015). Collection method: clinical testing. Allele origin: germline.

Women's Health and Genetics/Laboratory Corporation of America, LabCorp
Classification: Uncertain significance. Last evaluated: 2024-07-24. Review status: criteria provided, single submitter. Criteria: LabCorp Variant Classification Summary - May 2015. Collection method: clinical testing. Allele origin: germline.
Comment: Variant summary: KMT2D c.7967T>C (p.Leu2656Ser) results in a non-conservative amino acid change in the encoded protein sequence. Four of five in-silico tools predict a benign effect of the variant on protein function. The variant allele was found at a frequency of 4e-06 in 249150 control chromosomes. The available data on variant occurrences in the general population are insufficient to allow any conclusion about variant significance. To our knowledge, no occurrence of c.7967T>C in individuals affected with Kabuki Syndrome 1 and no experimental evidence demonstrating its impact on protein function have been reported. ClinVar contains an entry for this variant (Variation ID: 570778). Based on the evidence outlined above, the variant was classified as uncertain significance.